The following is an entry in ClinVar:

NM_144772.3(NAXE):c.385C>G (p.Arg129Gly)

Gene: NAXE (NAD(P)HX epimerase; plus strand). Cytogenetic location: 1q22.
Variant type: single nucleotide variant.
Coding change: c.385C>G on transcript NM_144772.3 (MANE Select); coding-DNA position 385, C replaced by G.
Protein change: p.Arg129Gly; replaces arginine 129 with glycine.
Molecular consequence: missense variant.
Genome position (GRCh38, 1-based): chr1:156,592,458, C>G. VCF-style: chr1-156592458-C-G. GRCh37 (hg19) VCF-style: chr1-156562250-C-G.
Other names: short protein forms R129G.
Identifiers: ClinVar variation 1029165 (VCV001029165.1), dbSNP rs747476913, ClinGen allele CA342873087.

ClinVar aggregate classification (germline): Uncertain significance (1 of 4 stars; one submission).

Conditions:
Encephalopathy, progressive, early-onset, with brain edema and/or leukoencephalopathy, 1 (PEBEL1). Also called: NAD(P)HX epimerase deficiency. Identifiers: Orphanet 555407, MedGen C4310675, MONDO:0020781, OMIM 617186.

Allele frequency attached by ClinVar (database versions not stated): gnomAD 0.00001; TOPMed 0.00001.
gnomAD v4.1: 4 of 1,613,924 alleles (0.00025%); highest among the groups gnomAD compares: Admixed American, 0.0017%; no homozygotes.

Submission:

Baylor Genetics
Classification: Uncertain significance for Encephalopathy, progressive, early-onset, with brain edema and/or leukoencephalopathy, 1. Last evaluated: 2019-11-22. Review status: criteria provided, single submitter. Criteria: ACMG Guidelines, 2015. Collection method: clinical testing. Allele origin: unknown. Affected: yes.
Comment: This variant was determined to be of uncertain significance according to ACMG Guidelines, 2015 [PMID:25741868].